The following is an entry in ClinVar:

NM_001388492.1(HTT):c.4451T>A (p.Val1484Glu)

Gene: HTT (huntingtin; plus strand). Cytogenetic location: 4p16.3.
Variant type: single nucleotide variant.
Coding change: c.4451T>A on transcript NM_001388492.1 (MANE Select); coding-DNA position 4451, T replaced by A.
Protein change: p.Val1484Glu; replaces valine 1484 with glutamic acid.
Molecular consequence: missense variant.
Genome position (GRCh38, 1-based): chr4:3,177,375, T>A. VCF-style: chr4-3177375-T-A. GRCh37 (hg19) VCF-style: chr4-3179102-T-A.
Other names: c.4457T>A, p.Val1486Glu (NM_002111.8); short protein forms V1486E, V1484E.
Identifiers: ClinVar variation 521677 (VCV000521677.5), dbSNP rs1373328313, ClinGen allele CA356068096.

ClinVar aggregate classification (germline): Uncertain significance (1 of 4 stars; one submission).

Conditions:
Inborn genetic diseases. Identifiers: MedGen C0950123, MeSH D030342.

Allele frequency attached by ClinVar (database versions not stated): gnomAD 0.00003; TOPMed below 0.00001.
gnomAD v4.1: 2 of 1,597,960 alleles (0.00013%); highest among the groups gnomAD compares: African/African-American, 0.0027%; no homozygotes.

Submission:

Ambry Genetics
Classification: Uncertain significance for Inborn genetic diseases. Last evaluated: 2025-01-27. Review status: criteria provided, single submitter. Criteria: Ambry Variant Classification Scheme 2023. Collection method: clinical testing. Allele origin: germline.
Comment: The c.4457T>A (p.V1486E) alteration is located in exon 34 (coding exon 34) of the HTT gene. This alteration results from a T to A substitution at nucleotide position 4457, causing the valine (V) at amino acid position 1486 to be replaced by a glutamic acid (E). Based on data from gnomAD, the A allele has an overall frequency of 0.003% (1/31410) total alleles studied. The highest observed frequency was 0.011% (1/8718) of African/African American alleles. This amino acid position is highly conserved in available vertebrate species. Based on insufficient or conflicting evidence, the clinical significance of this alteration remains unclear.